The following is an entry in ClinVar:

ClinVar aggregate classification (germline): Uncertain significance. Review status: criteria provided, multiple submitters, no conflicts (2 of 4 stars). 4 submissions from 4 submitters: Uncertain significance (4). Last evaluated 2026-01-13.

Conditions:
Hereditary cancer-predisposing syndrome. Also called: Hereditary Cancer Syndrome; Hereditary neoplastic syndrome; Neoplastic Syndromes, Hereditary; Tumor predisposition. Identifiers: Orphanet 140162, MedGen C0027672, MeSH D009386, MONDO:0015356.

Submissions (4):

Labcorp Genetics (formerly Invitae), Labcorp
Classification: Uncertain significance. Last evaluated: 2026-01-13. Review status: criteria provided, single submitter. Criteria: Invitae Variant Classification Sherloc (09022015). Collection method: clinical testing. Allele origin: germline.
Comment: This sequence change replaces glutamic acid, which is acidic and polar, with serine, which is neutral and polar, at codon 1241 of the POLE protein (p.Glu1241Ser). This variant is present in population databases (no rsID available, gnomAD 0.002%). This missense change has been observed in individual(s) with POLE-related conditions (PMID: 35534704). ClinVar contains an entry for this variant (Variation ID: 405860). An algorithm developed to predict the effect of missense changes on protein structure and function (PolyPhen-2) suggests that this variant is likely to be tolerated. In summary, the available evidence is currently insufficient to determine the role of this variant in disease. Therefore, it has been classified as a Variant of Uncertain Significance.

Ambry Genetics
Classification: Uncertain significance for Hereditary cancer-predisposing syndrome. Last evaluated: 2024-12-09. Review status: criteria provided, single submitter. Criteria: Ambry Variant Classification Scheme 2023. Collection method: clinical testing. Allele origin: germline.
Comment: The c.3721_3722delGAinsTC variant (also known as p.E1241S), located in coding exon 30 of the POLE gene, results from an in-frame deletion of GA and insertion of TC at nucleotide positions 3721 and 3722. This results in the substitution of the glutamate residue at codon 1241 for a serine, an amino acid with similar properties. This amino acid position is not well conserved in available vertebrate species. In addition, this alteration is predicted to be neutral by in silico analysis (Choi Y et al. PLoS ONE. 2012; 7(10):e46688). Based on the available evidence, the clinical significance of this variant remains unclear.

Quest Diagnostics Nichols Institute San Juan Capistrano
Classification: Uncertain significance. Last evaluated: 2019-12-17. Review status: criteria provided, single submitter. Criteria: Quest Diagnostics criteria. Collection method: clinical testing. Allele origin: unknown.

GeneDx
Classification: Uncertain significance. Last evaluated: 2019-08-06. Review status: criteria provided, single submitter. Criteria: GeneDx Variant Classification Process June 2021. Collection method: clinical testing. Allele origin: germline. Affected: yes.
Comment: Not observed at a significant frequency in large population cohorts (Lek 2016); In silico analysis supports that this missense variant does not alter protein structure/function; Has not been previously published as pathogenic or benign to our knowledge

Literature cited by the submitters: PubMed 35534704 (cited by Labcorp Genetics (formerly Invitae), Labcorp).

NM_006231.4(POLE):c.3721_3722inv (p.Glu1241Ser)

Gene: POLE (DNA polymerase epsilon, catalytic subunit; minus strand). Cytogenetic location: 12q24.33.
Variant type: Inversion.
Coding change: c.3721_3722inv on transcript NM_006231.4 (MANE Select).
Protein change: p.Glu1241Ser; replaces glutamic acid 1241 with serine.
Molecular consequence: missense variant.
Genome position: GRCh38 VCF-style: chr12-132649750-TC-GA. GRCh37 (hg19) VCF-style: chr12-133226336-TC-GA.
Other names: c.3721_3722delGAinsTC (NM_006231.2); short protein forms E1241S.
Identifiers: ClinVar variation 405860 (VCV000405860.19), ClinGen allele CA16613664.
Genomic context (GRCh38, chr12:132,649,750, plus strand): 5'-AGGGCGGGAGGCTGCCCCAAGATTTCCTGCCAGGGCACAGTCGGCGTGAGGTCCTGGGAC[TC>GA]CTCCTGGCTCTCCCAAAGAACTCGCTTCCTCTTCACAGTGACAGGGGCTGCTGGGTGAGG-3'
Protein context (NP_006222.2, residues 1231-1251): RKRVLWESQE[Glu1241Ser]SQDLTPTVPW